The following is an entry in ClinVar:

ClinVar aggregate classification (germline): Uncertain significance. Review status: criteria provided, multiple submitters, no conflicts (2 of 4 stars). 2 submissions from 2 submitters: Uncertain significance (2). Last evaluated 2023-07-29.

Conditions:
Developmental and epileptic encephalopathy, 31A. Also called: Developmental and epileptic encephalopathy, 31; Epileptic encephalopathy, early infantile, 31. Identifiers: Orphanet 2382, MedGen C4225357, MONDO:0014598, OMIM 616346.

Allele frequency attached by ClinVar (database versions not stated): gnomAD exomes below 0.00001; ExAC 0.00001; TOPMed 0.00001.
gnomAD v4.1: 3 of 1,614,068 alleles (0.00019%); highest among the groups gnomAD compares: Non-Finnish European, 0.00025%; no homozygotes.

Submissions (2):

Labcorp Genetics (formerly Invitae), Labcorp
Classification: Uncertain significance for Developmental and epileptic encephalopathy, 31A. Last evaluated: 2023-07-29. Review status: criteria provided, single submitter. Criteria: Invitae Variant Classification Sherloc (09022015). Collection method: clinical testing. Allele origin: germline.
Comment: In summary, the available evidence is currently insufficient to determine the role of this variant in disease. Therefore, it has been classified as a Variant of Uncertain Significance. Advanced modeling of protein sequence and biophysical properties (such as structural, functional, and spatial information, amino acid conservation, physicochemical variation, residue mobility, and thermodynamic stability) performed at Invitae indicates that this missense variant is not expected to disrupt DNM1 protein function. ClinVar contains an entry for this variant (Variation ID: 1305726). This variant has not been reported in the literature in individuals affected with DNM1-related conditions. This variant is present in population databases (rs748647924, gnomAD 0.0009%). This sequence change replaces valine, which is neutral and non-polar, with methionine, which is neutral and non-polar, at codon 575 of the DNM1 protein (p.Val575Met).

GeneDx
Classification: Uncertain significance. Last evaluated: 2019-05-09. Review status: criteria provided, single submitter. Criteria: GeneDx Variant Classification Process June 2021. Collection method: clinical testing. Allele origin: germline. Affected: yes.
Comment: In silico analysis, which includes protein predictors and evolutionary conservation, supports that this variant does not alter protein structure/function; Has not been previously published as pathogenic or benign to our knowledge

NM_004408.4(DNM1):c.1723G>A (p.Val575Met)

Gene: DNM1 (dynamin 1; plus strand). Cytogenetic location: 9q34.11.
Variant type: single nucleotide variant.
Coding change: c.1723G>A on transcript NM_004408.4 (MANE Select); coding-DNA position 1723, G replaced by A.
Protein change: p.Val575Met; replaces valine 575 with methionine.
Molecular consequence: missense variant.
Genome position (GRCh38, 1-based): chr9:128,246,445, G>A. VCF-style: chr9-128246445-G-A. GRCh37 (hg19) VCF-style: chr9-131008724-G-A.
Other names: c.1723G>A, p.Val575Met (NM_001005336.3, NM_001288737.2, NM_001288738.2 and 2 more transcripts); short protein forms V575M.
Identifiers: ClinVar variation 1305726 (VCV001305726.5), dbSNP rs748647924, ClinGen allele CA5258324.